The following is an entry in ClinVar:

NM_006950.3(SYN1):c.526C>T (p.Arg176Trp)

Gene: SYN1 (synapsin I; minus strand). Cytogenetic location: Xp11.23.
Variant type: single nucleotide variant.
Coding change: c.526C>T on transcript NM_006950.3 (MANE Select); coding-DNA position 526, C replaced by T.
Protein change: p.Arg176Trp; replaces arginine 176 with tryptophan.
Molecular consequence: missense variant.
Genome position (GRCh38, 1-based): chrX:47,606,946, G>A on the plus strand (C>T on the coding strand, the complement: SYN1 is on the minus strand). VCF-style: chrX-47606946-G-A. GRCh37 (hg19) VCF-style: chrX-47466345-G-A.
Other names: p.R176W:CGG>TGG; c.526C>T, p.Arg176Trp (NM_133499.2); short protein forms R176W.
Identifiers: ClinVar variation 207466 (VCV000207466.13), dbSNP rs769458536, ClinGen allele CA318937.

ClinVar aggregate classification (germline): Conflicting classifications of pathogenicity. Review status: criteria provided, conflicting classifications (1 of 4 stars). 4 submissions from 4 submitters: Uncertain significance (3); Likely benign (1). Last evaluated 2026-06-10.

Conditions:
Inborn genetic diseases. Identifiers: MedGen C0950123, MeSH D030342.
Epilepsy, X-linked 1, with variable learning disabilities and behavior disorders. Also called: X-linked epilepsy-learning disabilities-behavior disorders syndrome. Identifiers: Orphanet 85294, MedGen C5774177, MONDO:0010339, OMIM 300491.

Allele frequency attached by ClinVar (database versions not stated): ExAC 0.00001; gnomAD exomes 0.00004 and 0.00002; gnomAD 0.00010 and 0.00007; TOPMed 0.00011.
gnomAD v4.1: 29 of 1,204,617 alleles (0.0024%); highest among the groups gnomAD compares: Admixed American, 0.018%; no homozygotes.

Submissions (4):

Women's Health and Genetics/Laboratory Corporation of America, LabCorp
Classification: Uncertain significance. Last evaluated: 2026-06-10. Review status: criteria provided, single submitter. Criteria: LabCorp Variant Classification Summary - May 2015. Collection method: clinical testing. Allele origin: germline.
Comment: Variant summary: SYN1 c.526C>T (p.Arg176Trp) results in a non-conservative amino acid change in the encoded protein sequence. Algorithms developed to predict the effect of missense changes on protein structure and function are either unavailable or do not agree on the potential impact of this missense change. Several computational tools predict a significant impact on normal splicing: Three predict the variant weakens a canonical 5' donor site and two predict the variant has no significant impact on splicing. However, these predictions have yet to be confirmed by functional studies. The variant allele was found at a frequency of 3.9e-05 in 181606 control chromosomes, including 5 hemizygotes. The available data on variant occurrences in the general population are insufficient to allow any conclusion about variant significance. To our knowledge, no occurrence of c.526C>T in individuals affected with SYN1-related conditions and no experimental evidence demonstrating its impact on protein function have been reported. ClinVar contains an entry for this variant (Variation ID: 207466). Based on the evidence outlined above, the variant was classified as uncertain significance.

Labcorp Genetics (formerly Invitae), Labcorp
Classification: Uncertain significance for Epilepsy, X-linked 1, with variable learning disabilities and behavior disorders. Last evaluated: 2025-12-01. Review status: criteria provided, single submitter. Criteria: Invitae Variant Classification Sherloc (09022015). Collection method: clinical testing. Allele origin: germline.
Comment: This sequence change replaces arginine, which is basic and polar, with tryptophan, which is neutral and slightly polar, at codon 176 of the SYN1 protein (p.Arg176Trp). This variant is present in population databases (rs769458536, gnomAD 0.008%). This variant has not been reported in the literature in individuals affected with SYN1-related conditions. ClinVar contains an entry for this variant (Variation ID: 207466). An algorithm developed to predict the effect of missense changes on protein structure and function (PolyPhen-2) suggests that this variant is likely to be tolerated. In summary, the available evidence is currently insufficient to determine the role of this variant in disease. Therefore, it has been classified as a Variant of Uncertain Significance.

Ambry Genetics
Classification: Likely benign for Inborn genetic diseases. Last evaluated: 2023-12-18. Review status: criteria provided, single submitter. Criteria: Ambry Variant Classification Scheme 2023. Collection method: clinical testing. Allele origin: germline.

GeneDx
Classification: Uncertain significance. Last evaluated: 2014-01-15. Review status: criteria provided, single submitter. Criteria: GeneDx Variant Classification (06012015). Collection method: clinical testing. Allele origin: germline. Affected: yes.
Comment: p.Arg176Trp (CGG>TGG): c.526 C>T in exon 3 of the SYN1 gene (NM_133499.2) The Arg176Trp missense change in the SYN1 gene has not been published as a mutation, nor has it been reported as a benign polymorphism to our knowledge. It was not observed in approximately 5,400 individuals of European and African American ancestry in the NHLBI Exome Sequencing Project, indicating it is not a common benign variant in these populations. This variant is a non-conservative amino acid substitution of a positively charged Arginine residue with an uncharged, non-polar Tryptophan residue at a position that is conserved across species. However, in silico analysis is inconsistent with regard to the effect this variant may have on the protein structure/function. Therefore, based on the currently available information, it is unclear whether Arg176Trp is a disease-causing mutation or a rare benign variant. The variant is found in EPILEPSY panel(s).